The following is an entry in ClinVar:

ClinVar aggregate classification (germline): Uncertain significance (1 of 4 stars; one submission).

Conditions:
Cardiovascular phenotype. Identifiers: MedGen CN230736.

Allele frequency attached by ClinVar (database versions not stated): gnomAD exomes below 0.00001; ExAC 0.00001.
gnomAD v4.1: 1 of 1,610,906 alleles (0.000062%); highest among the groups gnomAD compares: East Asian, 0.0022%; no homozygotes.

Submission:

Ambry Genetics
Classification: Uncertain significance for Cardiovascular phenotype. Last evaluated: 2023-01-20. Review status: criteria provided, single submitter. Criteria: Ambry Variant Classification Scheme 2023. Collection method: clinical testing. Allele origin: germline.
Comment: The p.T57M variant (also known as c.170C>T), located in coding exon 1 of the KCND3 gene, results from a C to T substitution at nucleotide position 170. The threonine at codon 57 is replaced by methionine, an amino acid with similar properties. This amino acid position is conserved. In addition, this alteration is predicted to be deleterious by in silico analysis. Since supporting evidence is limited at this time, the clinical significance of this alteration remains unclear.

NM_001378969.1(KCND3):c.170C>T (p.Thr57Met)

Gene: KCND3 (potassium voltage-gated channel subfamily D member 3; minus strand). Cytogenetic location: 1p13.2.
Variant type: single nucleotide variant.
Coding change: c.170C>T on transcript NM_001378969.1 (MANE Select); coding-DNA position 170, C replaced by T.
Protein change: p.Thr57Met; replaces threonine 57 with methionine.
Molecular consequence: missense variant.
Genome position (GRCh38, 1-based): chr1:111,982,557, G>A on the plus strand (C>T on the coding strand, the complement: KCND3 is on the minus strand). VCF-style: chr1-111982557-G-A. GRCh37 (hg19) VCF-style: chr1-112525179-G-A.
Other names: c.170C>T, p.Thr57Met (NM_001378970.1, NM_004980.5, NM_172198.3); short protein forms T57M.
Identifiers: ClinVar variation 2447854 (VCV002447854.2), dbSNP rs761121098, ClinGen allele CA1007641.
Genomic context (GRCh38, chr1:111,982,557, plus strand): 5'-TCGTTGAAGAAGAACTCCTTCTCCGTGCTGCCCAGCAGGGTGTCCGGGTAGCGCTCCAGC[G>A]TGGTCCTCCAGGTCTGGAACCTCCGCCCACTCACGTTGAGGACAATCAGCTCATCCTGCC-3'
Protein context (NP_001365898.1, residues 47-67): SGRRFQTWRT[Thr57Met]LERYPDTLLG